The following is an entry in ClinVar:

ClinVar aggregate classification (germline): Pathogenic. Review status: criteria provided, multiple submitters, no conflicts (2 of 4 stars). 2 submissions from 2 submitters: Pathogenic (2). Last evaluated 2023-09-04.

Conditions:
Ataxia-telangiectasia-like disorder (ATLD). Identifiers: MedGen C1858391, MONDO:0011457.
Hereditary cancer-predisposing syndrome. Also called: Neoplastic Syndromes, Hereditary; Tumor predisposition; Hereditary Cancer Syndrome; Hereditary neoplastic syndrome. Identifiers: Orphanet 140162, MedGen C0027672, MeSH D009386, MONDO:0015356.

Submissions (2):

Labcorp Genetics (formerly Invitae), Labcorp
Classification: Pathogenic for Ataxia-telangiectasia-like disorder. Last evaluated: 2023-09-04. Review status: criteria provided, single submitter. Criteria: Invitae Variant Classification Sherloc (09022015). Collection method: clinical testing. Allele origin: germline.
Comment: This sequence change creates a premature translational stop signal (p.Glu460*) in the MRE11 gene. It is expected to result in an absent or disrupted protein product. Loss-of-function variants in MRE11 are known to be pathogenic (PMID: 23080121, 23912341). For these reasons, this variant has been classified as Pathogenic. ClinVar contains an entry for this variant (Variation ID: 1800352). This variant has not been reported in the literature in individuals affected with MRE11-related conditions. This variant is not present in population databases (gnomAD no frequency).

Ambry Genetics
Classification: Pathogenic for Hereditary cancer-predisposing syndrome. Last evaluated: 2021-10-20. Review status: criteria provided, single submitter. Criteria: Ambry Variant Classification Scheme 2023. Collection method: clinical testing. Allele origin: germline.
Comment: The p.E460* pathogenic mutation (also known as c.1378G>T), located in coding exon 12 of the MRE11A gene, results from a G to T substitution at nucleotide position 1378. This changes the amino acid from a glutamic acid to a stop codon within coding exon 12. This alteration was previously reported in at least one individual from a cohort of 278 BRCA1/2-negative individuals with early-onset breast cancer via multiplex panel testing of 22 cancer susceptibility genes (Maxwell KN et al. Genet Med, 2015 Aug;17:630-8). This alteration is expected to result in loss of function by premature protein truncation or nonsense-mediated mRNA decay. As such, this alteration is interpreted as a disease-causing mutation.

Literature cited by the submitters: PubMed 23080121 (cited by Labcorp Genetics (formerly Invitae), Labcorp); PubMed 23912341 (cited by Labcorp Genetics (formerly Invitae), Labcorp); PubMed 25503501 (cited by Ambry Genetics).

NM_005591.4(MRE11):c.1378G>T (p.Glu460Ter)

Gene: MRE11 (MRE11 double strand break repair nuclease; minus strand). Cytogenetic location: 11q21.
Variant type: single nucleotide variant.
Coding change: c.1378G>T on transcript NM_005591.4 (MANE Select); coding-DNA position 1378, G replaced by T.
Protein change: p.Glu460Ter; replaces glutamic acid 460 with a stop codon.
Molecular consequence: nonsense.
Genome position (GRCh38, 1-based): chr11:94,459,530, C>A on the plus strand (G>T on the coding strand, the complement: MRE11 is on the minus strand). VCF-style: chr11-94459530-C-A. GRCh37 (hg19) VCF-style: chr11-94192696-C-A.
Other names: c.1378G>T, p.Glu460Ter (NM_001330347.2, NM_005590.4); short protein forms E460*.
Identifiers: ClinVar variation 1800352 (VCV001800352.5), dbSNP rs2496386852, ClinGen allele CA382371950.